The following is an entry in ClinVar:

ClinVar aggregate classification (germline): Likely benign (0 of 4 stars; one submission).

Conditions:
FAM98C-related disorder. Also called: FAM98C-related condition.

Allele frequency attached by ClinVar (database versions not stated): gnomAD exomes 0.00039; TOPMed 0.00050; gnomAD 0.00057; ExAC 0.00083; 1000 Genomes Project 30x 0.00094; 1000 Genomes Project 0.00100.

Submission:

PreventionGenetics, part of Exact Sciences
Classification: Likely benign for FAM98C-related condition. Last evaluated: 2019-05-22. Review status: no assertion criteria provided. Collection method: clinical testing. Allele origin: germline.
Comment: This variant is classified as likely benign based on ACMG/AMP sequence variant interpretation guidelines (Richards et al. 2015 PMID: 25741868, with internal and published modifications).

NM_174905.4(TSLIG3C):c.-2T>C

Genes: TSLIG3C (tRNA splicing ligase complex subunit 3C; plus strand), LOC130064347 (ATAC-STARR-seq lymphoblastoid silent region 10572; plus strand). Cytogenetic location: 19q13.2.
Variant type: single nucleotide variant.
Coding change: c.-2T>C on transcript NM_174905.4 (MANE Select); 2 bases upstream of the start codon, T replaced by C.
Molecular consequence: 5 prime UTR variant.
Genome position (GRCh38, 1-based): chr19:38,403,152, T>C. VCF-style: chr19-38403152-T-C. GRCh37 (hg19) VCF-style: chr19-38893792-T-C.
Other names: c.-2T>C (NM_001351675.1).
Identifiers: ClinVar variation 3038918 (VCV003038918.2), dbSNP rs200159503, ClinGen allele CA9414765.